The following is an entry in ClinVar:

NM_001966.4(EHHADH):c.2156C>T (p.Pro719Leu)

Gene: EHHADH (enoyl-CoA hydratase and 3-hydroxyacyl CoA dehydrogenase; minus strand). Cytogenetic location: 3q27.2.
Variant type: single nucleotide variant.
Coding change: c.2156C>T on transcript NM_001966.4 (MANE Select); coding-DNA position 2156, C replaced by T.
Protein change: p.Pro719Leu; replaces proline 719 with leucine.
Molecular consequence: missense variant.
Genome position (GRCh38, 1-based): chr3:185,192,242, G>A on the plus strand (C>T on the coding strand, the complement: EHHADH is on the minus strand). VCF-style: chr3-185192242-G-A. GRCh37 (hg19) VCF-style: chr3-184910030-G-A.
Other names: c.1868C>T, p.Pro623Leu (NM_001166415.2); short protein forms P623L, P719L.
Identifiers: ClinVar variation 4017005 (VCV004017005.2).

ClinVar aggregate classification (germline): Uncertain significance. Review status: criteria provided, multiple submitters, no conflicts (2 of 4 stars). 2 submissions from 2 submitters: Uncertain significance (2). Last evaluated 2025-04-21.

Conditions:
EHHADH-related disorder. Also called: EHHADH-related condition.

Submissions (2):

Ambry Genetics
Classification: Uncertain significance. Last evaluated: 2025-04-21. Review status: criteria provided, single submitter. Criteria: Ambry Variant Classification Scheme 2023. Collection method: clinical testing. Allele origin: germline.

PreventionGenetics, part of Exact Sciences
Classification: Uncertain significance for EHHADH-related condition. Last evaluated: 2024-12-18. Review status: criteria provided, single submitter. Criteria: ACMG Guidelines, 2015. Collection method: clinical testing. Allele origin: germline.
Comment: The EHHADH c.2156C>T variant is predicted to result in the amino acid substitution p.Pro719Leu. To our knowledge, this variant has not been reported in the literature or in a large population database (gnomAD), indicating this variant is rare. At this time, the clinical significance of this variant is uncertain due to the absence of conclusive functional and genetic evidence.